The following is an entry in ClinVar:

ClinVar aggregate classification (germline): Uncertain significance. Review status: criteria provided, multiple submitters, no conflicts (2 of 4 stars). 2 submissions from 2 submitters: Uncertain significance (2). Last evaluated 2023-12-27.

Allele frequency attached by ClinVar (database versions not stated): gnomAD exomes 0.00001; gnomAD 0.00002; ExAC 0.00003.
gnomAD v4.1: 18 of 1,596,312 alleles (0.0011%); highest among the groups gnomAD compares: Middle Eastern, 0.017%; no homozygotes.

Submissions (2):

Ambry Genetics
Classification: Uncertain significance. Last evaluated: 2023-12-27. Review status: criteria provided, single submitter. Criteria: Ambry Variant Classification Scheme 2023. Collection method: clinical testing. Allele origin: germline.

Labcorp Genetics (formerly Invitae), Labcorp
Classification: Uncertain significance. Last evaluated: 2022-06-30. Review status: criteria provided, single submitter. Criteria: Invitae Variant Classification Sherloc (09022015). Collection method: clinical testing. Allele origin: germline.
Comment: In summary, the available evidence is currently insufficient to determine the role of this variant in disease. Therefore, it has been classified as a Variant of Uncertain Significance. Algorithms developed to predict the effect of missense changes on protein structure and function are either unavailable or do not agree on the potential impact of this missense change (SIFT: "Not Available"; PolyPhen-2: "Benign"; Align-GVGD: "Not Available"). This variant has not been reported in the literature in individuals affected with PIK3C2A-related conditions. This variant is present in population databases (rs748870045, gnomAD 0.003%). This sequence change replaces histidine, which is basic and polar, with arginine, which is basic and polar, at codon 492 of the PIK3C2A protein (p.His492Arg).

NM_002645.4(PIK3C2A):c.1475A>G (p.His492Arg)

Gene: PIK3C2A (phosphatidylinositol-4-phosphate 3-kinase catalytic subunit type 2 alpha; minus strand). Cytogenetic location: 11p15.1.
Variant type: single nucleotide variant.
Coding change: c.1475A>G on transcript NM_002645.4 (MANE Select); coding-DNA position 1475, A replaced by G.
Protein change: p.His492Arg; replaces histidine 492 with arginine.
Molecular consequence: missense variant.
Genome position (GRCh38, 1-based): chr11:17,147,602, T>C on the plus strand (A>G on the coding strand, the complement: PIK3C2A is on the minus strand). VCF-style: chr11-17147602-T-C. GRCh37 (hg19) VCF-style: chr11-17169149-T-C.
Other names: c.1475A>G, p.His492Arg (NM_001321378.2, NM_001386870.1); c.335A>G, p.His112Arg (NM_001321380.2); c.1475A>G (NM_002645.2); short protein forms H492R, H112R.
Identifiers: ClinVar variation 1913498 (VCV001913498.4), dbSNP rs748870045, ClinGen allele CA5901349.